The following is an entry in ClinVar:

NM_015909.4(NBAS):c.4031A>G (p.His1344Arg)

Gene: NBAS (NBAS subunit of NRZ tethering complex; minus strand). Cytogenetic location: 2p24.3.
Variant type: single nucleotide variant.
Coding change: c.4031A>G on transcript NM_015909.4 (MANE Select); coding-DNA position 4031, A replaced by G.
Protein change: p.His1344Arg; replaces histidine 1344 with arginine.
Molecular consequence: missense variant. On other transcripts: non-coding transcript variant (1).
Genome position (GRCh38, 1-based): chr2:15,353,611, T>C on the plus strand (A>G on the coding strand, the complement: NBAS is on the minus strand). VCF-style: chr2-15353611-T-C. GRCh37 (hg19) VCF-style: chr2-15493735-T-C.
Other names: short protein forms H1344R.
Identifiers: ClinVar variation 2081036 (VCV002081036.3), dbSNP rs201325677, ClinGen allele CA345889863.

ClinVar aggregate classification (germline): Uncertain significance (1 of 4 stars; one submission).

gnomAD v4.1: 2 of 1,614,072 alleles (0.00012%); highest among the groups gnomAD compares: Admixed American, 0.0017%; no homozygotes.

Submission:

Labcorp Genetics (formerly Invitae), Labcorp
Classification: Uncertain significance. Last evaluated: 2025-06-23. Review status: criteria provided, single submitter. Criteria: Invitae Variant Classification Sherloc (09022015). Collection method: clinical testing. Allele origin: germline.
Comment: This sequence change replaces histidine, which is basic and polar, with arginine, which is basic and polar, at codon 1344 of the NBAS protein (p.His1344Arg). This variant is present in population databases (no rsID available, gnomAD 0.003%). This variant has not been reported in the literature in individuals affected with NBAS-related conditions. ClinVar contains an entry for this variant (Variation ID: 2081036). Invitae Evidence Modeling of protein sequence and biophysical properties (such as structural, functional, and spatial information, amino acid conservation, physicochemical variation, residue mobility, and thermodynamic stability) indicates that this missense variant is not expected to disrupt NBAS protein function with a negative predictive value of 95%. In summary, the available evidence is currently insufficient to determine the role of this variant in disease. Therefore, it has been classified as a Variant of Uncertain Significance.